The following is an entry in ClinVar:

ClinVar aggregate classification (germline): Uncertain significance (1 of 4 stars; one submission).

Conditions:
Inborn genetic diseases. Identifiers: MedGen C0950123, MeSH D030342.

Submission:

Ambry Genetics
Classification: Uncertain significance for Inborn genetic diseases. Last evaluated: 2025-03-30. Review status: criteria provided, single submitter. Criteria: Ambry Variant Classification Scheme 2023. Collection method: clinical testing. Allele origin: germline.
Comment: The p.V232L variant (also known as c.694G>C), located in coding exon 1 of the CEBPA gene, results from a G to C substitution at nucleotide position 694. The valine at codon 232 is replaced by leucine, an amino acid with highly similar properties. This amino acid position is conserved. In addition, this alteration is predicted to be tolerated by in silico analysis. Based on the available evidence, the clinical significance of this variant remains unclear.

NM_004364.5(CEBPA):c.694G>C (p.Val232Leu)

Gene: CEBPA (CCAAT enhancer binding protein alpha; minus strand). Cytogenetic location: 19q13.11.
Variant type: single nucleotide variant.
Coding change: c.694G>C on transcript NM_004364.5 (MANE Select); coding-DNA position 694, G replaced by C.
Protein change: p.Val232Leu; replaces valine 232 with leucine.
Molecular consequence: missense variant.
Genome position (GRCh38, 1-based): chr19:33,301,721, C>G on the plus strand (G>C on the coding strand, the complement: CEBPA is on the minus strand). VCF-style: chr19-33301721-C-G. GRCh37 (hg19) VCF-style: chr19-33792627-C-G.
Other names: c.337G>C, p.Val113Leu (NM_001285829.2); c.799G>C, p.Val267Leu (NM_001287424.2); c.652G>C, p.Val218Leu (NM_001287435.2); short protein forms V267L, V113L, V218L, V232L.
Identifiers: ClinVar variation 3999985 (VCV003999985.1).